The following is an entry in ClinVar:

ClinVar aggregate classification (germline): Benign. Review status: criteria provided, multiple submitters, no conflicts (2 of 4 stars). 3 submissions from 3 submitters: Benign (2). 1 of the submissions does not count toward it. Last evaluated 2019-12-31.

Conditions:
BIRC6-related disorder. Also called: BIRC6-related condition.

Allele frequency attached by ClinVar (database versions not stated): gnomAD exomes 0.00231; ExAC 0.00296; gnomAD 0.00901 and 0.00959; TOPMed 0.00975; 1000 Genomes Project 0.01018; ESP Exome Variant Server 0.01099; 1000 Genomes Project 30x 0.01109.
gnomAD v4.1: 2,692 of 1,610,578 alleles (0.17%); highest among the groups gnomAD compares: African/African-American, 3.2%; 39 homozygotes.

Submissions (3):

Labcorp Genetics (formerly Invitae), Labcorp
Classification: Benign. Last evaluated: 2019-12-31. Review status: criteria provided, single submitter. Criteria: Invitae Variant Classification Sherloc (09022015). Collection method: clinical testing. Allele origin: germline.

Breakthrough Genomics
Classification: Benign. Review status: criteria provided, single submitter. Criteria: ACMG Guidelines, 2015. Collection method: not provided. Allele origin: germline. Inheritance: Unknown mechanism. Affected: yes.

PreventionGenetics, part of Exact Sciences
Classification: Benign for BIRC6-related condition. Last evaluated: 2019-03-12. Review status: no assertion criteria provided. Collection method: clinical testing. Allele origin: germline. Not counted in ClinVar's aggregate classification.
Comment: This variant is classified as benign based on ACMG/AMP sequence variant interpretation guidelines (Richards et al. 2015 PMID: 25741868, with internal and published modifications).

NM_016252.4(BIRC6):c.4028A>T (p.Gln1343Leu)

Gene: BIRC6 (baculoviral IAP repeat containing 6; plus strand). Cytogenetic location: 2p22.3.
Variant type: single nucleotide variant.
Coding change: c.4028A>T on transcript NM_016252.4 (MANE Select); coding-DNA position 4028, A replaced by T.
Protein change: p.Gln1343Leu; replaces glutamine 1343 with leucine.
Molecular consequence: missense variant.
Genome position (GRCh38, 1-based): chr2:32,442,148, A>T. VCF-style: chr2-32442148-A-T. GRCh37 (hg19) VCF-style: chr2-32667216-A-T.
Other names: c.3986A>T, p.Gln1329Leu (NM_001378125.1); short protein forms Q1343L, Q1329L.
Identifiers: ClinVar variation 767791 (VCV000767791.7), dbSNP rs72867263, ClinGen allele CA1603258.
Genomic context (GRCh38, chr2:32,442,148, plus strand): 5'-AGTTTTCAGAATTTCATGAGAAGCTTCTTAATACTCTTTGCAGAAAAACAGATGATGGCC[A>T]GATCACAGAACATGCCCAGAGCCTTGTGTTGGATACTCTCTGTTGGTTAGCTGGAGTTCA-3'
Protein context (NP_057336.3, residues 1333-1353): NTLCRKTDDG[Gln1343Leu]ITEHAQSLVL